The following is an entry in ClinVar:

ClinVar aggregate classification (germline): Uncertain significance. Review status: criteria provided, multiple submitters, no conflicts (2 of 4 stars). 3 submissions from 3 submitters: Uncertain significance (3). Last evaluated 2025-11-03.

Conditions:
Hereditary cancer-predisposing syndrome. Also called: Hereditary neoplastic syndrome; Neoplastic Syndromes, Hereditary; Hereditary Cancer Syndrome; Tumor predisposition. Identifiers: Orphanet 140162, MedGen C0027672, MeSH D009386, MONDO:0015356.
Peutz-Jeghers syndrome (PJS). Also called: Peutz-Jeghers polyposis; Periorificial lentiginosis syndrome; POLYPOSIS, HAMARTOMATOUS INTESTINAL; POLYPS-AND-SPOTS SYNDROME. Identifiers: Orphanet 2869, MedGen C0031269, MeSH D010580, MONDO:0008280, OMIM 175200.

Submissions (3):

Color Diagnostics, LLC DBA Color Health
Classification: Uncertain significance for Hereditary cancer-predisposing syndrome. Last evaluated: 2025-11-03. Review status: criteria provided, single submitter. Criteria: ACMG Guidelines, 2015. Collection method: clinical testing. Allele origin: germline.
Comment: This missense variant replaces lysine with arginine at codon 262 of the STK11 protein. Computational prediction suggests that this variant may not impact protein structure and function. To our knowledge, functional studies have not been reported for this variant. This variant has not been reported in individuals affected with STK11-related disorders in the literature. This variant has not been identified in the general population by the Genome Aggregation Database (gnomAD). The available evidence is insufficient to determine the role of this variant in disease conclusively. Therefore, this variant is classified as a Variant of Uncertain Significance.

Ambry Genetics
Classification: Uncertain significance for Hereditary cancer-predisposing syndrome. Last evaluated: 2024-09-06. Review status: criteria provided, single submitter. Criteria: Ambry Variant Classification Scheme 2023. Collection method: clinical testing. Allele origin: germline.
Comment: The p.K262R variant (also known as c.785A>G), located in coding exon 6 of the STK11 gene, results from an A to G substitution at nucleotide position 785. The lysine at codon 262 is replaced by arginine, an amino acid with highly similar properties. This amino acid position is conserved. In addition, the in silico prediction for this alteration is inconclusive. Based on the available evidence, the clinical significance of this variant remains unclear.

Labcorp Genetics (formerly Invitae), Labcorp
Classification: Uncertain significance for Peutz-Jeghers syndrome. Last evaluated: 2023-09-28. Review status: criteria provided, single submitter. Criteria: Invitae Variant Classification Sherloc (09022015). Collection method: clinical testing. Allele origin: germline.
Comment: In summary, the available evidence is currently insufficient to determine the role of this variant in disease. Therefore, it has been classified as a Variant of Uncertain Significance. Advanced modeling of protein sequence and biophysical properties (such as structural, functional, and spatial information, amino acid conservation, physicochemical variation, residue mobility, and thermodynamic stability) performed at Invitae indicates that this missense variant is not expected to disrupt STK11 protein function. ClinVar contains an entry for this variant (Variation ID: 569356). This variant has not been reported in the literature in individuals affected with STK11-related conditions. This variant is not present in population databases (gnomAD no frequency). This sequence change replaces lysine, which is basic and polar, with arginine, which is basic and polar, at codon 262 of the STK11 protein (p.Lys262Arg).

NM_000455.5(STK11):c.785A>G (p.Lys262Arg)

Gene: STK11 (serine/threonine kinase 11; plus strand). Cytogenetic location: 19p13.3.
Variant type: single nucleotide variant.
Coding change: c.785A>G on transcript NM_000455.5 (MANE Select); coding-DNA position 785, A replaced by G.
Protein change: p.Lys262Arg; replaces lysine 262 with arginine.
Molecular consequence: missense variant.
Genome position (GRCh38, 1-based): chr19:1,221,263, A>G. VCF-style: chr19-1221263-A-G. GRCh37 (hg19) VCF-style: chr19-1221262-A-G.
Other names: short protein forms K262R.
Identifiers: ClinVar variation 569356 (VCV000569356.9), dbSNP rs1568709214, ClinGen allele CA402950491.
Genomic context (GRCh38, chr19:1,221,263, plus strand): 5'-CGAAATGAAGCTACAACATCACCACGGGTCTGTACCCCTTCGAAGGGGACAACATCTACA[A>G]GTTGTTTGAGAACATCGGGAAGGGGAGCTACGCCATCCCGGGCGACTGTGGCCCCCCGCT-3'
Protein context (NP_000446.1, residues 252-272): LYPFEGDNIY[Lys262Arg]LFENIGKGSY